The following is an entry in ClinVar:

NM_000548.5(TSC2):c.4262G>A (p.Gly1421Glu)

Gene: TSC2 (TSC complex subunit 2; plus strand). Cytogenetic location: 16p13.3.
Variant type: single nucleotide variant.
Coding change: c.4262G>A on transcript NM_000548.5 (MANE Select); coding-DNA position 4262, G replaced by A.
Protein change: p.Gly1421Glu; replaces glycine 1421 with glutamic acid.
Molecular consequence: missense variant.
Genome position (GRCh38, 1-based): chr16:2,084,484, G>A. VCF-style: chr16-2084484-G-A. GRCh37 (hg19) VCF-style: chr16-2134485-G-A.
Other names: c.4061G>A, p.Gly1354Glu (NM_001077183.3); c.4193G>A, p.Gly1398Glu (NM_001114382.3); c.3953G>A, p.Gly1318Glu (NM_001318827.2); c.3917G>A, p.Gly1306Glu (NM_001318829.2); c.3530G>A, p.Gly1177Glu (NM_001318831.2); c.4094G>A, p.Gly1365Glu (NM_001318832.2); c.4064G>A, p.Gly1355Glu (NM_001363528.2); c.4130G>A, p.Gly1377Glu (NM_001370404.1); and 1 more; short protein forms G1421E, G1306E, G1354E, G1365E, G1377E, G1378E, G1398E, G1177E.
Identifiers: ClinVar variation 571772 (VCV000571772.19), dbSNP rs1368001965, ClinGen allele CA394300579.

ClinVar aggregate classification (germline): Conflicting classifications of pathogenicity. Review status: criteria provided, conflicting classifications (1 of 4 stars). 5 submissions from 5 submitters: Uncertain significance (1); Benign (1); Likely benign (3). Last evaluated 2025-10-20.

Conditions:
Tuberous sclerosis syndrome (TSC). Also called: Tuberous sclerosis; Tuberous Sclerosis Complex. Identifiers: Orphanet 805, MedGen C0041341, MONDO:0001734.
Hereditary cancer-predisposing syndrome. Also called: Hereditary neoplastic syndrome; Neoplastic Syndromes, Hereditary; Hereditary Cancer Syndrome; Tumor predisposition. Identifiers: Orphanet 140162, MedGen C0027672, MeSH D009386, MONDO:0015356.
Tuberous sclerosis 2 (TSC2). Identifiers: Orphanet 805, MedGen C1860707, MONDO:0013199, OMIM 613254.

Allele frequency attached by ClinVar (database versions not stated): gnomAD exomes 0.00001.
gnomAD v4.1: 11 of 1,609,290 alleles (0.00068%); highest among the groups gnomAD compares: South Asian, 0.0011%; no homozygotes.

Submissions (5):

Labcorp Genetics (formerly Invitae), Labcorp
Classification: Benign for Tuberous sclerosis 2. Last evaluated: 2025-10-20. Review status: criteria provided, single submitter. Criteria: Invitae Variant Classification Sherloc (09022015). Collection method: clinical testing. Allele origin: germline.

Ambry Genetics
Classification: Likely benign for Hereditary cancer-predisposing syndrome. Last evaluated: 2025-09-10. Review status: criteria provided, single submitter. Criteria: Ambry Variant Classification Scheme 2023. Collection method: clinical testing. Allele origin: germline.

Color Diagnostics, LLC DBA Color Health
Classification: Uncertain significance for Tuberous sclerosis syndrome. Last evaluated: 2025-07-31. Review status: criteria provided, single submitter. Criteria: ACMG Guidelines, 2015. Collection method: clinical testing. Allele origin: germline.
Comment: This missense variant replaces glycine with glutamic acid at codon 1421 of the TSC2 protein. Computational prediction suggests that this variant may not impact protein structure and function. To our knowledge, functional studies have not been reported for this variant. This variant has not been reported in individuals affected with TSC2-related disorders in the literature. This variant has been identified in 3/238904 chromosomes in the general population by the Genome Aggregation Database (gnomAD). The available evidence is insufficient to determine the role of this variant in disease conclusively. Therefore, this variant is classified as a Variant of Uncertain Significance.

Genome-Nilou Lab
Classification: Likely benign for Tuberous sclerosis 2. Last evaluated: 2021-11-07. Review status: criteria provided, single submitter. Criteria: ACMG Guidelines, 2015. Collection method: clinical testing. Allele origin: germline. Affected: no.

GeneDx
Classification: Likely benign. Last evaluated: 2020-09-25. Review status: criteria provided, single submitter. Criteria: GeneDx Variant Classification Process June 2021. Collection method: clinical testing. Allele origin: germline. Affected: yes.
Comment: In silico analysis, which includes protein predictors and evolutionary conservation, supports that this variant does not alter protein structure/function; Has not been previously published as pathogenic or benign to our knowledge